The following is an entry in ClinVar:

ClinVar aggregate classification (germline): Uncertain significance. Review status: criteria provided, multiple submitters, no conflicts (2 of 4 stars). 2 submissions from 2 submitters: Uncertain significance (2). Last evaluated 2024-05-15.

Conditions:
Cardiovascular phenotype. Identifiers: MedGen CN230736.

Allele frequency attached by ClinVar (database versions not stated): gnomAD 0.00001; TOPMed 0.00002; gnomAD exomes 0.00003.
gnomAD v4.1: 51 of 1,551,382 alleles (0.0033%); highest among the groups gnomAD compares: Non-Finnish European, 0.004%; no homozygotes.

Submissions (2):

GeneDx
Classification: Uncertain significance. Last evaluated: 2024-05-15. Review status: criteria provided, single submitter. Criteria: GeneDx Variant Classification Process June 2021. Collection method: clinical testing. Allele origin: germline. Affected: yes.
Comment: Not observed at significant frequency in large population cohorts (gnomAD); In silico analysis supports that this missense variant has a deleterious effect on protein structure/function; Has not been previously published as pathogenic or benign to our knowledge

Ambry Genetics
Classification: Uncertain significance for Cardiovascular phenotype. Last evaluated: 2023-05-26. Review status: criteria provided, single submitter. Criteria: Ambry Variant Classification Scheme 2023. Collection method: clinical testing. Allele origin: germline.
Comment: The p.C7F variant (also known as c.20G>T), located in coding exon 1 of the EFEMP2 gene, results from a G to T substitution at nucleotide position 20. The cysteine at codon 7 is replaced by phenylalanine, an amino acid with highly dissimilar properties. This amino acid position is not well conserved in available vertebrate species. In addition, the in silico prediction for this alteration is inconclusive. Since supporting evidence is limited at this time, the clinical significance of this alteration remains unclear.

NM_016938.5(EFEMP2):c.20G>T (p.Cys7Phe)

Gene: EFEMP2 (EGF containing fibulin extracellular matrix protein 2; minus strand). Cytogenetic location: 11q13.1.
Variant type: single nucleotide variant.
Coding change: c.20G>T on transcript NM_016938.5 (MANE Select); coding-DNA position 20, G replaced by T.
Protein change: p.Cys7Phe; replaces cysteine 7 with phenylalanine.
Molecular consequence: missense variant. On other transcripts: non-coding transcript variant (1).
Genome position (GRCh38, 1-based): chr11:65,872,335, C>A on the plus strand (G>T on the coding strand, the complement: EFEMP2 is on the minus strand). VCF-style: chr11-65872335-C-A. GRCh37 (hg19) VCF-style: chr11-65639806-C-A.
Other names: short protein forms C7F.
Identifiers: ClinVar variation 2561720 (VCV002561720.3), dbSNP rs960665217, ClinGen allele CA223979369.